The following is an entry in ClinVar:

ClinVar aggregate classification (germline): Uncertain significance (1 of 4 stars; one submission).

gnomAD v4.1: 3 of 1,614,158 alleles (0.00019%); highest among the groups gnomAD compares: Middle Eastern, 0.016%; no homozygotes.

Submission:

GeneDx
Classification: Uncertain significance. Last evaluated: 2025-08-05. Review status: criteria provided, single submitter. Criteria: GeneDx Variant Classification Process June 2021. Collection method: clinical testing. Allele origin: germline. Affected: yes.
Comment: Not observed at significant frequency in large population cohorts (gnomAD); In silico analysis supports that this missense variant has a deleterious effect on protein structure/function; Has not been previously published as pathogenic or benign to our knowledge

NM_000458.4(HNF1B):c.600T>G (p.Asp200Glu)

Genes: HNF1B (HNF1 homeobox B; minus strand), LOC126862549 (BRD4-independent group 4 enhancer GRCh37_chr17:36093401-36094600; plus strand). Cytogenetic location: 17q12.
Variant type: single nucleotide variant.
Coding change: c.600T>G on transcript NM_000458.4 (MANE Select); coding-DNA position 600, T replaced by G.
Protein change: p.Asp200Glu; replaces aspartic acid 200 with glutamic acid.
Molecular consequence: missense variant. On other transcripts: intron variant (2).
Genome position (GRCh38, 1-based): chr17:37,733,766, A>C on the plus strand (T>G on the coding strand, the complement: HNF1B is on the minus strand). VCF-style: chr17-37733766-A-C. GRCh37 (hg19) VCF-style: chr17-36093759-A-C.
Other names: c.600T>G, p.Asp200Glu (NM_001411100.1); c.545-23T>G (NM_001304286.2, NM_001165923.4); short protein forms D200E.
Identifiers: ClinVar variation 4756060 (VCV004756060.1).